The following is an entry in ClinVar:

NM_000059.4(BRCA2):c.2092C>T (p.Leu698=)

Gene: BRCA2 (BRCA2 DNA repair associated; plus strand). Cytogenetic location: 13q13.1.
Variant type: single nucleotide variant.
Coding change: c.2092C>T on transcript NM_000059.4 (MANE Select); coding-DNA position 2092, C replaced by T.
Protein change: p.Leu698=; no amino-acid change (leucine 698 retained).
Molecular consequence: synonymous variant.
Genome position (GRCh38, 1-based): chr13:32,336,447, C>T. VCF-style: chr13-32336447-C-T. GRCh37 (hg19) VCF-style: chr13-32910584-C-T.
Identifiers: ClinVar variation 481523 (VCV000481523.13), dbSNP rs1555282437, ClinGen allele CA483275162.

ClinVar aggregate classification (germline): Likely benign. Review status: criteria provided, multiple submitters, no conflicts (2 of 4 stars). 3 submissions from 3 submitters: Likely benign (3). Last evaluated 2018-05-14.

Conditions:
Hereditary cancer-predisposing syndrome. Also called: Neoplastic Syndromes, Hereditary; Tumor predisposition; Hereditary Cancer Syndrome; Hereditary neoplastic syndrome. Identifiers: Orphanet 140162, MedGen C0027672, MeSH D009386, MONDO:0015356.
Hereditary breast ovarian cancer syndrome. Also called: Hereditary breast and ovarian cancer syndrome; Hereditary breast and ovarian cancer; Hereditary breast and ovarian cancer syndrome (HBOC); Breast and ovarian cancer; Hereditary breast and/or ovarian cancer syndrome; BRCA1- and BRCA2-Associated Hereditary Breast and Ovarian Cancer. Identifiers: Orphanet 145, MedGen C0677776, MeSH D061325, MONDO:0003582. Disease mechanism: loss of function.

Submissions (3):

Labcorp Genetics (formerly Invitae), Labcorp
Classification: Likely benign for Hereditary breast ovarian cancer syndrome. Last evaluated: 2018-05-14. Review status: criteria provided, single submitter. Criteria: Invitae Variant Classification Sherloc (09022015). Collection method: clinical testing. Allele origin: germline.

GeneDx
Classification: Likely benign. Last evaluated: 2017-09-18. Review status: criteria provided, single submitter. Criteria: GeneDx Variant Classification (06012015). Collection method: clinical testing. Allele origin: germline. Affected: yes.
Comment: This variant is considered likely benign or benign based on one or more of the following criteria: it is a conservative change, it occurs at a poorly conserved position in the protein, it is predicted to be benign by multiple in silico algorithms, and/or has population frequency not consistent with disease.

Ambry Genetics
Classification: Likely benign for Hereditary cancer-predisposing syndrome. Last evaluated: 2016-03-03. Review status: criteria provided, single submitter. Criteria: Ambry Variant Classification Scheme 2023. Collection method: clinical testing. Allele origin: germline.